The following is an entry in ClinVar:

NM_172107.4(KCNQ2):c.16C>G (p.Arg6Gly)

Gene: KCNQ2 (potassium voltage-gated channel subfamily Q member 2; minus strand). Cytogenetic location: 20q13.33.
Variant type: single nucleotide variant.
Coding change: c.16C>G on transcript NM_172107.4 (MANE Select); coding-DNA position 16, C replaced by G.
Protein change: p.Arg6Gly; replaces arginine 6 with glycine.
Molecular consequence: missense variant.
Genome position (GRCh38, 1-based): chr20:63,472,448, G>C on the plus strand (C>G on the coding strand, the complement: KCNQ2 is on the minus strand). VCF-style: chr20-63472448-G-C. GRCh37 (hg19) VCF-style: chr20-62103801-G-C.
Other names: c.16C>G, p.Arg6Gly (NM_001382235.1, NM_004518.6, NM_172106.3 and 2 more transcripts); short protein forms R6G.
Identifiers: ClinVar variation 2013126 (VCV002013126.4), dbSNP rs2516747575, ClinGen allele CA409636285.
Genomic context (GRCh38, chr20:63,472,448, plus strand): 5'-CCACGAAGCCCACCTTCAGCTTCTTCTCCCCGCTCGGGCCGGGGTATACGCCGCCGTTGC[G>C]CGACTTCTGCACCATGGTGCCTGGCGGGAGGCGCCCCGGGTCGGGCTCAGGCTCAGCGGG-3'
Protein context (NP_742105.1, residues 1-16): MVQKS[Arg6Gly]NGGVYPGPSG

ClinVar aggregate classification (germline): Uncertain significance (1 of 4 stars; one submission).

Conditions:
Early-infantile DEE. Also called: Early infantile epileptic encephalopathy; Ohtahara syndrome; Early infantile epileptic encephalopathy with suppression bursts. Identifiers: Orphanet 1934, MedGen C0393706, MONDO:0800491.

Allele frequency attached by ClinVar (database versions not stated): gnomAD exomes below 0.00001.
gnomAD v4.1: 1 of 1,531,322 alleles (0.000065%); no homozygotes.

Submission:

Labcorp Genetics (formerly Invitae), Labcorp
Classification: Uncertain significance for Early-infantile DEE. Last evaluated: 2022-11-28. Review status: criteria provided, single submitter. Criteria: Invitae Variant Classification Sherloc (09022015). Collection method: clinical testing. Allele origin: germline.
Comment: In summary, the available evidence is currently insufficient to determine the role of this variant in disease. Therefore, it has been classified as a Variant of Uncertain Significance. Advanced modeling of protein sequence and biophysical properties (such as structural, functional, and spatial information, amino acid conservation, physicochemical variation, residue mobility, and thermodynamic stability) performed at Invitae indicates that this missense variant is expected to disrupt KCNQ2 protein function. This variant has not been reported in the literature in individuals affected with KCNQ2-related conditions. This variant is not present in population databases (gnomAD no frequency). This sequence change replaces arginine, which is basic and polar, with glycine, which is neutral and non-polar, at codon 6 of the KCNQ2 protein (p.Arg6Gly).